The following is an entry in ClinVar:

ClinVar aggregate classification (germline): Uncertain significance (1 of 4 stars; one submission).

Submission:

Ambry Genetics
Classification: Uncertain significance. Last evaluated: 2023-07-25. Review status: criteria provided, single submitter. Criteria: Ambry Variant Classification Scheme 2023. Collection method: clinical testing. Allele origin: germline.
Comment: The c.1900C>G (p.P634A) alteration is located in exon 14 (coding exon 14) of the PABPC1 gene. This alteration results from a C to G substitution at nucleotide position 1900, causing the proline (P) at amino acid position 634 to be replaced by an alanine (A). This variant was not reported in population-based cohorts in the Genome Aggregation Database (gnomAD). This amino acid position is highly conserved in available vertebrate species. This missense alteration is located in a region that has a low rate of benign missense variation (Lek, 2016; Firth, 2009). The in silico prediction for this alteration is inconclusive. Based on insufficient or conflicting evidence, the clinical significance of this alteration remains unclear.

NM_002568.4(PABPC1):c.1900C>G (p.Pro634Ala)

Gene: PABPC1 (poly(A) binding protein cytoplasmic 1; minus strand). Cytogenetic location: 8q22.3.
Variant type: single nucleotide variant.
Coding change: c.1900C>G on transcript NM_002568.4 (MANE Select); coding-DNA position 1900, C replaced by G.
Protein change: p.Pro634Ala; replaces proline 634 with alanine.
Molecular consequence: missense variant.
Genome position (GRCh38, 1-based): chr8:100,704,309, G>C on the plus strand (C>G on the coding strand, the complement: PABPC1 is on the minus strand). VCF-style: chr8-100704309-G-C. GRCh37 (hg19) VCF-style: chr8-101716537-G-C.
Other names: short protein forms P634A.
Identifiers: ClinVar variation 2603769 (VCV002603769.2), dbSNP rs1810325165, ClinGen allele CA371586575.